The following is an entry in ClinVar:

NM_001365536.1(SCN9A):c.-283G>C

Gene: SCN9A (sodium voltage-gated channel alpha subunit 9; minus strand). Cytogenetic location: 2q24.3.
Variant type: single nucleotide variant.
Coding change: c.-283G>C on transcript NM_001365536.1 (MANE Select); 283 bases upstream of the start codon, G replaced by C.
Molecular consequence: 5 prime UTR variant.
Genome position (GRCh38, 1-based): chr2:166,375,929, C>G on the plus strand (G>C on the coding strand, the complement: SCN9A is on the minus strand). VCF-style: chr2-166375929-C-G. GRCh37 (hg19) VCF-style: chr2-167232439-C-G.
Other names: c.-283G>C (NM_002977.4).
Identifiers: ClinVar variation 332004 (VCV000332004.7), dbSNP rs191091185, ClinGen allele CA10611250.

ClinVar aggregate classification (germline): Benign/Likely benign. Review status: criteria provided, multiple submitters, no conflicts (2 of 4 stars). 4 submissions from 2 submitters: Benign (3); Likely benign (1). Last evaluated 2018-01-13.

Conditions:
Channelopathy-associated congenital insensitivity to pain, autosomal recessive. Also called: Insensitivity to pain, channelopathy-associated; ASYMBOLIA FOR PAIN; CONGENITAL ANALGESIA, AUTOSOMAL RECESSIVE. Identifiers: Orphanet 88642, Orphanet 970, MedGen C1855739, MONDO:0009459, OMIM 243000.
Paroxysmal extreme pain disorder (PEXPD). Also called: PAIN, SUBMANDIBULAR, OCULAR, AND RECTAL, WITH FLUSHING; RECTAL PAIN, FAMILIAL; SCN9A Paroxysmal Extreme Pain Disorder (SCN9A-PEPD). Identifiers: Orphanet 46348, MedGen C1833661, MONDO:0008179, OMIM 167400.
Primary erythromelalgia. Also called: SCN9A Erythromelalgia (SCN9A-EM); primary erythermalgia. Identifiers: Orphanet 306577, Orphanet 90026, MedGen C0014805, MONDO:0007571, OMIM 133020.

Allele frequency attached by ClinVar (database versions not stated): gnomAD 0.00294 and 0.00301; TOPMed 0.00318; 1000 Genomes Project 0.00539; 1000 Genomes Project 30x 0.00578.

Submissions (4):

Illumina Laboratory Services, Illumina
Classification: Benign for Channelopathy-associated congenital insensitivity to pain, autosomal recessive. Last evaluated: 2018-01-13. Review status: criteria provided, single submitter. Criteria: ICSL Variant Classification Criteria 13 December 2019. Collection method: clinical testing. Allele origin: germline.
Comment: This variant was observed in the ICSL laboratory as part of a predisposition screen in an ostensibly healthy population. It had not been previously curated by ICSL or reported in the Human Gene Mutation Database (HGMD: prior to June 1st, 2018), and was therefore a candidate for classification through an automated scoring system. Utilizing variant allele frequency, disease prevalence and penetrance estimates, and inheritance mode, an automated score was calculated to assess if this variant is too frequent to cause the disease. Based on the score and internal cut-off values, a variant classified as benign is not then subjected to further curation. The score for this variant resulted in a classification of benign for this disease.

Illumina Laboratory Services, Illumina
Classification: Benign for Paroxysmal extreme pain disorder. Last evaluated: 2018-01-13. Review status: criteria provided, single submitter. Criteria: ICSL Variant Classification Criteria 13 December 2019. Collection method: clinical testing. Allele origin: germline.
Comment: the same text as in the submission from Illumina Laboratory Services, Illumina above.

Illumina Laboratory Services, Illumina
Classification: Benign for Primary erythromelalgia. Last evaluated: 2018-01-13. Review status: criteria provided, single submitter. Criteria: ICSL Variant Classification Criteria 13 December 2019. Collection method: clinical testing. Allele origin: germline.
Comment: the same text as in the submission from Illumina Laboratory Services, Illumina above.

Breakthrough Genomics
Classification: Likely benign. Review status: criteria provided, single submitter. Criteria: ACMG Guidelines, 2015. Collection method: not provided. Allele origin: germline. Inheritance: Autosomal recessive inheritance. Affected: yes.